The following is an entry in ClinVar:

ClinVar aggregate classification (germline): Uncertain significance (1 of 4 stars; one submission).

Conditions:
Inflammatory bowel disease. Identifiers: Orphanet 104012, MedGen C0021390, MONDO:0005265.

Allele frequency attached by ClinVar (database versions not stated): gnomAD exomes below 0.00001 and 0.00001; ExAC 0.00001.

Submission:

Labcorp Genetics (formerly Invitae), Labcorp
Classification: Uncertain significance for Inflammatory bowel disease. Last evaluated: 2021-08-27. Review status: criteria provided, single submitter. Criteria: Invitae Variant Classification Sherloc (09022015). Collection method: clinical testing. Allele origin: germline.
Comment: This sequence change replaces leucine with phenylalanine at codon 41 of the IL10 protein (p.Leu41Phe). The leucine residue is highly conserved and there is a small physicochemical difference between leucine and phenylalanine. This variant is present in population databases (rs750010814, ExAC 0.01%). This variant has not been reported in the literature in individuals affected with IL10-related conditions. Algorithms developed to predict the effect of missense changes on protein structure and function are either unavailable or do not agree on the potential impact of this missense change (SIFT: "Deleterious"; PolyPhen-2: "Probably Damaging"; Align-GVGD: "Class C15"). In summary, the available evidence is currently insufficient to determine the role of this variant in disease. Therefore, it has been classified as a Variant of Uncertain Significance.

NM_000572.3(IL10):c.121C>T (p.Leu41Phe)

Genes: IL10 (interleukin 10; minus strand), IL19 (interleukin 19; plus strand), LOC128462409 (CRISPRi-FlowFISH-validated IL10 regulatory element GRCh37_chr1:206945468-206946089; plus strand). Cytogenetic location: 1q32.1.
Variant type: single nucleotide variant.
Coding change: c.121C>T on transcript NM_000572.3 (MANE Select); coding-DNA position 121, C replaced by T.
Protein change: p.Leu41Phe; replaces leucine 41 with phenylalanine.
Molecular consequence: missense variant. On other transcripts: non-coding transcript variant (1), intron variant (2).
Genome position (GRCh38, 1-based): chr1:206,772,315, G>A on the plus strand (C>T on the coding strand, the complement: IL10 is on the minus strand). VCF-style: chr1-206772315-G-A. GRCh37 (hg19) VCF-style: chr1-206945660-G-A.
Other names: c.-149+1237G>A (NM_153758.5); c.-149+1485G>A (NM_001393490.1); short protein forms L41F.
Identifiers: ClinVar variation 1493990 (VCV001493990.5), dbSNP rs750010814, ClinGen allele CA1363841.